The following is an entry in ClinVar:

NM_001010892.3(RSPH4A):c.922-1G>A

Gene: RSPH4A (radial spoke head component 4A; plus strand). Cytogenetic location: 6q22.1.
Variant type: single nucleotide variant.
Coding change: c.922-1G>A on transcript NM_001010892.3 (MANE Select); the canonical splice acceptor site of the intron before coding-DNA position 922, G replaced by A.
Molecular consequence: splice acceptor variant.
Genome position (GRCh38, 1-based): chr6:116,627,628, G>A. VCF-style: chr6-116627628-G-A. GRCh37 (hg19) VCF-style: chr6-116948791-G-A.
Other names: c.922-1G>A (NM_001161664.2).
Identifiers: ClinVar variation 4710744 (VCV004710744.1).
Genomic context (GRCh38, chr6:116,627,628, plus strand): 5'-GACAAGGGAAGCAAGCATTTGTCTTATTGATAAATTTTAACCACAGCATTTGTTTCCCCA[G>A]GCAGAAAACGCTCTTCCAAATGTAATGGAGTCAGCTTTTTATTTTGAACAAGCTGGAGTT-3'

ClinVar aggregate classification (germline): Likely pathogenic (1 of 4 stars; one submission).

Conditions:
Primary ciliary dyskinesia. Also called: Ciliary dyskinesia. Identifiers: Orphanet 244, MedGen C0008780, MONDO:0016575, HP:0012265.

Submission:

Labcorp Genetics (formerly Invitae), Labcorp
Classification: Likely pathogenic for Primary ciliary dyskinesia. Last evaluated: 2025-05-31. Review status: criteria provided, single submitter. Criteria: Invitae Variant Classification Sherloc (09022015). Collection method: clinical testing. Allele origin: germline.
Comment: This sequence change affects an acceptor splice site in intron 2 of the RSPH4A gene. It is expected to disrupt RNA splicing. Variants that disrupt the donor or acceptor splice site typically lead to a loss of protein function (PMID: 16199547), and loss-of-function variants in RSPH4A are known to be pathogenic (PMID: 19200523). This variant is not present in population databases (gnomAD no frequency). Disruption of this splice site has been observed in individual(s) with clinical features of primary ciliary dyskinesia (PMID: 35804324). Algorithms developed to predict the effect of sequence changes on RNA splicing suggest that this variant may disrupt the consensus splice site. In summary, the currently available evidence indicates that the variant is pathogenic, but additional data are needed to prove that conclusively. Therefore, this variant has been classified as Likely Pathogenic.

Literature cited by the submitters: PubMed 16199547; PubMed 19200523; PubMed 35804324.